The following is an entry in ClinVar:

ClinVar aggregate classification (germline): Uncertain significance. Review status: criteria provided, multiple submitters, no conflicts (2 of 4 stars). 2 submissions from 2 submitters: Uncertain significance (2). Last evaluated 2025-01-23.

Conditions:
Hereditary cancer-predisposing syndrome. Also called: Hereditary Cancer Syndrome; Hereditary neoplastic syndrome; Neoplastic Syndromes, Hereditary; Tumor predisposition. Identifiers: Orphanet 140162, MedGen C0027672, MeSH D009386, MONDO:0015356.
Familial adenomatous polyposis 1 (FAP1). Also called: FAMILIAL ADENOMATOUS POLYPOSIS 1, ATTENUATED; POLYPOSIS, ADENOMATOUS INTESTINAL. Identifiers: MedGen C2713442, MONDO:0021056, OMIM 175100. Disease mechanism: loss of function.

Submissions (2):

Labcorp Genetics (formerly Invitae), Labcorp
Classification: Uncertain significance for Familial adenomatous polyposis 1. Last evaluated: 2025-01-23. Review status: criteria provided, single submitter. Criteria: Invitae Variant Classification Sherloc (09022015). Collection method: clinical testing. Allele origin: germline.
Comment: This sequence change replaces leucine, which is neutral and non-polar, with proline, which is neutral and non-polar, at codon 308 of the APC protein (p.Leu308Pro). This variant is not present in population databases (gnomAD no frequency). This variant has not been reported in the literature in individuals affected with APC-related conditions. ClinVar contains an entry for this variant (Variation ID: 1766299). Invitae Evidence Modeling of protein sequence and biophysical properties (such as structural, functional, and spatial information, amino acid conservation, physicochemical variation, residue mobility, and thermodynamic stability) indicates that this missense variant is not expected to disrupt APC protein function with a negative predictive value of 95%. In summary, the available evidence is currently insufficient to determine the role of this variant in disease. Therefore, it has been classified as a Variant of Uncertain Significance.

Ambry Genetics
Classification: Uncertain significance for Hereditary cancer-predisposing syndrome. Last evaluated: 2022-01-10. Review status: criteria provided, single submitter. Criteria: Ambry Variant Classification Scheme 2023. Collection method: clinical testing. Allele origin: germline.
Comment: The p.L308P variant (also known as c.923T>C), located in coding exon 8 of the APC gene, results from a T to C substitution at nucleotide position 923. The leucine at codon 308 is replaced by proline, an amino acid with similar properties. This amino acid position is conserved. In addition, in silico predictors for this gene do not accurately predict pathogenicity. Since supporting evidence is limited at this time, the clinical significance of this alteration remains unclear.

NM_000038.6(APC):c.923T>C (p.Leu308Pro)

Gene: APC (APC regulator of Wnt signaling pathway; plus strand). Cytogenetic location: 5q22.2.
Variant type: single nucleotide variant.
Coding change: c.923T>C on transcript NM_000038.6 (MANE Select); coding-DNA position 923, T replaced by C.
Protein change: p.Leu308Pro; replaces leucine 308 with proline.
Molecular consequence: missense variant.
Genome position (GRCh38, 1-based): chr5:112,815,583, T>C. VCF-style: chr5-112815583-T-C. GRCh37 (hg19) VCF-style: chr5-112151280-T-C.
Other names: c.923T>C, p.Leu308Pro (NM_001127510.3, NM_001354895.2, NM_001354896.2 and 12 more transcripts); c.869T>C, p.Leu290Pro (NM_001127511.3); c.953T>C, p.Leu318Pro (NM_001354897.2, NM_001354902.2, NM_001407446.1); c.848T>C, p.Leu283Pro (NM_001354898.2, NM_001354904.2, NM_001407451.1); c.839T>C, p.Leu280Pro (NM_001354899.2, NM_001407452.1, NM_001407467.1 and 1 more transcripts); c.746T>C, p.Leu249Pro (NM_001354900.2, NM_001354901.2, NM_001354905.2 and 1 more transcripts); c.74T>C, p.Leu25Pro (NM_001354906.2, NM_001407470.1, NM_001407471.1 and 1 more transcripts); short protein forms L308P, L283P, L290P, L318P, L249P, L280P, L25P.
Identifiers: ClinVar variation 1766299 (VCV001766299.7), dbSNP rs2532972897, ClinGen allele CA16023331.